The following is an entry in ClinVar:

ClinVar aggregate classification (germline): Likely pathogenic (1 of 4 stars; one submission).

Submission:

ARUP Laboratories, Molecular Genetics and Genomics, ARUP Laboratories
Classification: Likely pathogenic. Last evaluated: 2024-08-23. Review status: criteria provided, single submitter. Criteria: ARUP Molecular Germline Variant Investigation Process 2024. Collection method: clinical testing. Allele origin: germline.
Comment: The SPTB c.4545_4546dup; p.Phe1516CysfsTer3 variant, to our knowledge, is not reported in the medical literature or gene specific databases. This variant is also absent from the Genome Aggregation Database (v2.1.1), indicating it is not a common polymorphism. This variant causes a frameshift by inserting 2 nucleotides, so it is predicted to result in a truncated protein or mRNA subject to nonsense-mediated decay. Based on available information, this variant is considered to be likely pathogenic.

NM_001355436.2(SPTB):c.4545_4546dup (p.Phe1516fs)

Gene: SPTB (spectrin beta, erythrocytic; minus strand). Cytogenetic location: 14q23.3.
Variant type: Duplication.
Coding change: c.4545_4546dup on transcript NM_001355436.2 (MANE Select); coding-DNA positions 4545 to 4546, 2 bases duplicated (GT; older notation c.4545_4546dupGT).
Protein change: p.Phe1516fs; shifts the reading frame from phenylalanine 1516.
Molecular consequence: frameshift variant.
Genome position (GRCh38, 1-based): chr14:64,779,174-64,779,175, AC duplicated on the plus strand (GT on the coding strand, the reverse complement: SPTB is on the minus strand); duplicating any 2 consecutive bases within chr14:64,779,174-64,779,176 gives the same sequence; the c. name uses the placement nearest the transcript's 3' end. VCF-style (leftmost placement, unchanged base first): chr14-64779173-A-AAC. GRCh37 (hg19) VCF-style: chr14-65245891-A-AAC.
Other names: c.4545_4546dup, p.Phe1516fs (NM_001024858.4, NM_001355437.2); short protein forms F1516fs.
Identifiers: ClinVar variation 3766797 (VCV003766797.1).